The following is an entry in ClinVar:

NM_020436.5(SALL4):c.1575A>T (p.Gly525=)

Gene: SALL4 (spalt like transcription factor 4; minus strand). Cytogenetic location: 20q13.2.
Variant type: single nucleotide variant.
Coding change: c.1575A>T on transcript NM_020436.5 (MANE Select); coding-DNA position 1575, A replaced by T.
Protein change: p.Gly525=; no amino-acid change (glycine 525 retained).
Molecular consequence: synonymous variant. On other transcripts: intron variant (1).
Genome position (GRCh38, 1-based): chr20:51,790,908, T>A on the plus strand (A>T on the coding strand, the complement: SALL4 is on the minus strand). VCF-style: chr20-51790908-T-A. GRCh37 (hg19) VCF-style: chr20-50407447-T-A.
Other names: c.1150+425A>T (NM_001318031.2).
Identifiers: ClinVar variation 4873154 (VCV004873154.2).

ClinVar aggregate classification (germline): Likely benign (1 of 4 stars; one submission).

Submission:

CeGaT Center for Human Genetics Tuebingen
Classification: Likely benign. Last evaluated: 2026-05-01. Review status: criteria provided, single submitter. Criteria: CeGaT Center For Human Genetics Tuebingen Variant Classification Criteria Version 2. Collection method: clinical testing. Allele origin: germline. Affected: yes. Observed: 1 variant allele.
Comment: SALL4: PM2:Supporting, BP4, BP7